The following is an entry in ClinVar:

NM_000238.4(KCNH2):c.2146-12_2146-2del

Gene: KCNH2 (potassium voltage-gated channel subfamily H member 2; minus strand). Cytogenetic location: 7q36.1.
Variant type: Deletion.
Coding change: c.2146-12_2146-2del on transcript NM_000238.4 (MANE Select); 12 bases into the intron before coding-DNA position 2146 through the canonical splice acceptor site of the intron before coding-DNA position 2146, 11 bases deleted (CCCTGCCCCCA).
Molecular consequence: splice acceptor variant.
Genome position (GRCh38, 1-based): chr7:150,950,422-150,950,432, TGGGGGCAGGG deleted on the plus strand (CCCTGCCCCCA on the coding strand, the reverse complement: KCNH2 is on the minus strand); deleting any 11 consecutive bases within chr7:150,950,422-150,950,441 gives the same sequence; the c. name uses the placement nearest the transcript's 3' end. VCF-style (leftmost placement, unchanged base first): chr7-150950421-CTGGGGGCAGGG-C. GRCh37 (hg19) VCF-style: chr7-150647509-CTGGGGGCAGGG-C.
Other names: c.1858-12_1858-2del (NM_001406753.1, NM_001406756.1); c.1126-12_1126-2del (NM_172057.3, NM_001204798.2); c.2146-12_2146-2del (NM_172056.3); c.1969-12_1969-2del (NM_001406755.1); c.1846-12_1846-2del (NM_001406757.1).
Identifiers: ClinVar variation 4614344 (VCV004614344.1).
Genomic context (GRCh38, chr7:150,950,421, plus strand): 5'-TGAGCGGTTCAGGTGCAGGCAGATGTCAGCCTGCAGGCACTCAGGGAAGCCCTTCAGCAC[CTGGGGGCAGGG>C]TGGGGGCAGCTCAGCACACCCTCCCTTGGGACCCCCCAACCCACACTCTACTCCACCATC-3'

ClinVar aggregate classification (germline): Likely pathogenic (1 of 4 stars; one submission).

Conditions:
Cardiovascular phenotype. Identifiers: MedGen CN230736.

Submission:

Ambry Genetics
Classification: Likely pathogenic for Cardiovascular phenotype. Last evaluated: 2025-10-15. Review status: criteria provided, single submitter. Criteria: Ambry Variant Classification Scheme 2023. Collection method: clinical testing. Allele origin: germline.
Comment: The c.2146-12_2146-2del11 intronic variant results from a deletion of 11 nucleotides between positions c.2146-12 and c.2146-2 and involves the canonical splice acceptor site before coding exon 9 of the KCNH2 gene. This variant was identified in one or more individuals with features consistent with long QT syndrome and segregated with disease in at least one family (Shang YP et al. J Zhejiang Univ Sci B, 2005 Jul;6:626-30; Ambry internal data). Note, this variant is also referred to as a deletion of 11 base pairs at the acceptor splice site of exon 9 (Exon9 IVS del (&minus;12&rarr;&minus;2)) in the literature. This variant is considered to be rare based on population cohorts in the Genome Aggregation Database (gnomAD). The canonical splice acceptor site is highly conserved in available vertebrate species. In silico splice site analysis predicts that this alteration will weaken the native splice acceptor site and will result in the creation or strengthening of a novel splice acceptor site; however, the exact impact of this deletion on splicing and function is currently unknown. Alterations that disrupt the canonical splice site are expected to cause aberrant splicing, resulting in an abnormal protein or a transcript that is subject to nonsense-mediated mRNA decay. As such, this alteration is classified as likely pathogenic.

Literature cited by the submitters: PubMed 15973763.